The following is an entry in ClinVar:

NM_022095.4(ZNF335):c.963C>G (p.Ser321Arg)

Gene: ZNF335 (zinc finger protein 335; minus strand). Cytogenetic location: 20q13.12.
Variant type: single nucleotide variant.
Coding change: c.963C>G on transcript NM_022095.4 (MANE Select); coding-DNA position 963, C replaced by G.
Protein change: p.Ser321Arg; replaces serine 321 with arginine.
Molecular consequence: missense variant.
Genome position (GRCh38, 1-based): chr20:45,965,767, G>C on the plus strand (C>G on the coding strand, the complement: ZNF335 is on the minus strand). VCF-style: chr20-45965767-G-C. GRCh37 (hg19) VCF-style: chr20-44594406-G-C.
Other names: short protein forms S321R.
Identifiers: ClinVar variation 3604447 (VCV003604447.2).
Genomic context (GRCh38, chr20:45,965,767, plus strand): 5'-GGTGGGGCGCTGGAGCCGAAGCTGCCGGCCTCGGGGCTCATCCTCAGCTGGATTATAGTC[G>C]CTATCCTCTGTGGGGGACAGTAAAGTTGGTGAACAGTGAGTGGCGGGACCTGCCCTTTCA-3'
Protein context (NP_071378.1, residues 311-331): AGAIDDLEED[Ser321Arg]DYNPAEDEPR

ClinVar aggregate classification (germline): Uncertain significance (1 of 4 stars; one submission).

Submission:

Labcorp Genetics (formerly Invitae), Labcorp
Classification: Uncertain significance. Last evaluated: 2025-12-02. Review status: criteria provided, single submitter. Criteria: Invitae Variant Classification Sherloc (09022015). Collection method: clinical testing. Allele origin: germline.
Comment: This sequence change replaces serine, which is neutral and polar, with arginine, which is basic and polar, at codon 321 of the ZNF335 protein (p.Ser321Arg). This variant is not present in population databases (gnomAD no frequency). This variant has not been reported in the literature in individuals affected with ZNF335-related conditions. ClinVar contains an entry for this variant (Variation ID: 3604447). Invitae Evidence Modeling of protein sequence and biophysical properties (such as structural, functional, and spatial information, amino acid conservation, physicochemical variation, residue mobility, and thermodynamic stability) indicates that this missense variant is not expected to disrupt ZNF335 protein function with a negative predictive value of 80%. In summary, the available evidence is currently insufficient to determine the role of this variant in disease. Therefore, it has been classified as a Variant of Uncertain Significance.